The following is an entry in ClinVar:

NM_000170.3(GLDC):c.900C>A (p.Cys300Ter)

Gene: GLDC (glycine decarboxylase; minus strand). Cytogenetic location: 9p24.1.
Variant type: single nucleotide variant.
Coding change: c.900C>A on transcript NM_000170.3 (MANE Select); coding-DNA position 900, C replaced by A.
Protein change: p.Cys300Ter; replaces cysteine 300 with a stop codon.
Molecular consequence: nonsense.
Genome position (GRCh38, 1-based): chr9:6,604,746, G>T on the plus strand (C>A on the coding strand, the complement: GLDC is on the minus strand). VCF-style: chr9-6604746-G-T. GRCh37 (hg19) VCF-style: chr9-6604746-G-T.
Other names: short protein forms C300*.
Identifiers: ClinVar variation 984009 (VCV000984009.3), dbSNP rs143256976, ClinGen allele CA372895941.

ClinVar aggregate classification (germline): Likely pathogenic (1 of 4 stars; one submission).

Conditions:
Glycine encephalopathy. Also called: Non-ketotic hyperglycinemia; Nonketotic hyperglycinemia. Identifiers: Orphanet 407, MedGen C0751748, MONDO:0011612, HP:0008288.

Submission:

Myriad Genetics, Inc.
Classification: Likely pathogenic for Glycine encephalopathy 1. Last evaluated: 2020-04-23. Review status: criteria provided, single submitter. Criteria: Myriad Women's Health Autosomal Recessive and X-Linked Classification Criteria (2019). Collection method: clinical testing. Allele origin: unknown.
Comment: NM_000170.2(GLDC):c.900C>A(C300*) is expected to be pathogenic in the context of GLDC-related glycine encephalopathy. This variant is predicted to lead to an abnormal or absent protein product due to the creation of a premature termination codon in GLDC, a gene where loss-of-function variants are known to be pathogenic. Please note: this variant was assessed in the context of healthy population screening.